The following is an entry in ClinVar:

ClinVar aggregate classification (germline): Uncertain significance (1 of 4 stars; one submission).

Conditions:
Hereditary cancer-predisposing syndrome. Also called: Neoplastic Syndromes, Hereditary; Tumor predisposition; Hereditary Cancer Syndrome; Hereditary neoplastic syndrome. Identifiers: Orphanet 140162, MedGen C0027672, MeSH D009386, MONDO:0015356.

Submission:

Ambry Genetics
Classification: Uncertain significance for Hereditary cancer-predisposing syndrome. Last evaluated: 2026-02-18. Review status: criteria provided, single submitter. Criteria: Ambry Variant Classification Scheme 2023. Collection method: clinical testing. Allele origin: germline.
Comment: The p.G315R variant (also known as c.943G>A), located in coding exon 8 of the SDHA gene, results from a G to A substitution at nucleotide position 943. The glycine at codon 315 is replaced by arginine, an amino acid with dissimilar properties. This amino acid position is highly conserved in available vertebrate species. In addition, this alteration is predicted to be deleterious by in silico analysis. Based on the available evidence, the clinical significance of this variant remains unclear.

NM_004168.4(SDHA):c.943G>A (p.Gly315Arg)

Gene: SDHA (succinate dehydrogenase complex flavoprotein subunit A; plus strand). Cytogenetic location: 5p15.33.
Variant type: single nucleotide variant.
Coding change: c.943G>A on transcript NM_004168.4 (MANE Select); coding-DNA position 943, G replaced by A.
Protein change: p.Gly315Arg; replaces glycine 315 with arginine.
Molecular consequence: missense variant.
Genome position (GRCh38, 1-based): chr5:233,524, G>A. VCF-style: chr5-233524-G-A. GRCh37 (hg19) VCF-style: chr5-233639-G-A.
Other names: c.799G>A, p.Gly267Arg (NM_001294332.2); c.943G>A, p.Gly315Arg (NM_001330758.2); short protein forms G315R, G267R.
Identifiers: ClinVar variation 4825106 (VCV004825106.1).